The following is an entry in ClinVar:

NM_170606.3(KMT2C):c.2726G>A (p.Arg909Lys)

Gene: KMT2C (lysine methyltransferase 2C; minus strand). Cytogenetic location: 7q36.1.
Variant type: single nucleotide variant.
Coding change: c.2726G>A on transcript NM_170606.3 (MANE Select); coding-DNA position 2726, G replaced by A.
Protein change: p.Arg909Lys; replaces arginine 909 with lysine.
Molecular consequence: missense variant.
Genome position (GRCh38, 1-based): chr7:152,235,860, C>T on the plus strand (G>A on the coding strand, the complement: KMT2C is on the minus strand). VCF-style: chr7-152235860-C-T. GRCh37 (hg19) VCF-style: chr7-151932945-C-T.
Other names: NC_000007.13:g.151932945C>T; short protein forms R909K.
Identifiers: ClinVar variation 3764529 (VCV003764529.5).
Genomic context (GRCh38, chr7:152,235,860, plus strand): 5'-CATGAAGCAAGCCTCACCCCAGGTAATACAACAGCTCCGATTCCACTTTTCAGCTTTGAC[C>T]TGCCTCGGCCACCTCGCCCCGACAGTCCTGCACCTCGAGGTCTCCGCTTTCCTGGAAATC-3'
Protein context (NP_733751.2, residues 899-919): AGLSGRGGRG[Arg909Lys]SKLKSGIGAV

ClinVar aggregate classification (germline): Conflicting classifications of pathogenicity. Review status: criteria provided, conflicting classifications (1 of 4 stars). 2 submissions from 2 submitters: Uncertain significance (1); Likely benign (1). Last evaluated 2026-06-24.

Conditions:
Kleefstra syndrome 2 (KLEFS2). Identifiers: MedGen C4540395, MONDO:0054701, OMIM 617768.

Submissions (14):

Women's Health and Genetics/Laboratory Corporation of America, LabCorp
Classification: Uncertain significance. Last evaluated: 2026-06-24. Review status: criteria provided, single submitter. Criteria: LabCorp Variant Classification Summary - May 2015. Collection method: clinical testing. Allele origin: germline.
Comment: Variant summary: KMT2C c.2726G>A (p.Arg909Lys) results in a conservative amino acid change in the encoded protein sequence. Algorithms developed to predict the effect of missense changes on protein structure and function are either unavailable or do not agree on the potential impact of this missense change. The frequency data for this variant in gnomAD is considered unreliable, as metrics indicate poor data quality at this position. To our knowledge, no occurrence of c.2726G>A in individuals affected with KMT2C-related conditions and no experimental evidence demonstrating its impact on protein function have been reported. ClinVar contains an entry for this variant (Variation ID: 3764529). Based on the evidence outlined above, the variant was classified as uncertain significance.

Blueprint Genetics
Classification: Likely benign. Last evaluated: 2024-11-27. Review status: criteria provided, single submitter. Criteria: ACMG Guidelines, 2015. Collection method: clinical testing. Allele origin: germline.

Dr. Peter K. Rogan Lab, Western University
No classification provided (evidence only). Condition: Acute myeloid leukemia. Review status: no classification provided. Collection method: in vitro. Allele origin: not applicable. Functional consequence: retained intron. Not counted in ClinVar's aggregate classification.

Dr. Peter K. Rogan Lab, Western University
No classification provided (evidence only). Condition: Acute myeloid leukemia. Review status: no classification provided. Collection method: in vitro. Allele origin: not applicable. Functional consequence: retained intron. Not counted in ClinVar's aggregate classification.

Dr. Peter K. Rogan Lab, Western University
No classification provided (evidence only). Condition: Uterine corpus endometrial carcinoma. Review status: no classification provided. Collection method: in vitro. Allele origin: not applicable. Functional consequence: retained intron. Not counted in ClinVar's aggregate classification.

Dr. Peter K. Rogan Lab, Western University
No classification provided (evidence only). Condition: Cervical cancer. Review status: no classification provided. Collection method: in vitro. Allele origin: not applicable. Functional consequence: retained intron. Not counted in ClinVar's aggregate classification.

Dr. Peter K. Rogan Lab, Western University
No classification provided (evidence only). Condition: Cervical cancer. Review status: no classification provided. Collection method: in vitro. Allele origin: not applicable. Functional consequence: retained intron. Not counted in ClinVar's aggregate classification.

Dr. Peter K. Rogan Lab, Western University
No classification provided (evidence only). Condition: Sarcoma. Review status: no classification provided. Collection method: in vitro. Allele origin: not applicable. Functional consequence: retained intron. Not counted in ClinVar's aggregate classification.

Dr. Peter K. Rogan Lab, Western University
No classification provided (evidence only). Condition: Sarcoma. Review status: no classification provided. Collection method: in vitro. Allele origin: not applicable. Functional consequence: retained intron. Not counted in ClinVar's aggregate classification.

Dr. Peter K. Rogan Lab, Western University
No classification provided (evidence only). Condition: Sarcoma. Review status: no classification provided. Collection method: in vitro. Allele origin: not applicable. Functional consequence: retained intron. Not counted in ClinVar's aggregate classification.

Dr. Peter K. Rogan Lab, Western University
No classification provided (evidence only). Condition: Hepatocellular carcinoma. Review status: no classification provided. Collection method: in vitro. Allele origin: not applicable. Functional consequence: retained intron. Not counted in ClinVar's aggregate classification.

Dr. Peter K. Rogan Lab, Western University
No classification provided (evidence only). Condition: Cholangiocarcinoma. Review status: no classification provided. Collection method: in vitro. Allele origin: not applicable. Functional consequence: retained intron. Not counted in ClinVar's aggregate classification.

Dr. Peter K. Rogan Lab, Western University
No classification provided (evidence only). Condition: Malignant tumor of esophagus. Review status: no classification provided. Collection method: in vitro. Allele origin: not applicable. Functional consequence: retained intron. Not counted in ClinVar's aggregate classification.

Dr. Peter K. Rogan Lab, Western University
No classification provided (evidence only). Condition: Malignant tumor of esophagus. Review status: no classification provided. Collection method: in vitro. Allele origin: not applicable. Functional consequence: retained intron. Not counted in ClinVar's aggregate classification.